The following is an entry in ClinVar:

NM_001386140.1(MTTP):c.1204C>T (p.His402Tyr)

Gene: MTTP (microsomal triglyceride transfer protein; plus strand). Cytogenetic location: 4q23.
Variant type: single nucleotide variant.
Coding change: c.1204C>T on transcript NM_001386140.1 (MANE Select); coding-DNA position 1204, C replaced by T.
Protein change: p.His402Tyr; replaces histidine 402 with tyrosine.
Molecular consequence: missense variant.
Genome position (GRCh38, 1-based): chr4:99,600,701, C>T. VCF-style: chr4-99600701-C-T. GRCh37 (hg19) VCF-style: chr4-100521858-C-T.
Other names: c.1204C>T, p.His402Tyr (NM_000253.4); c.955C>T, p.His319Tyr (NM_001300785.2); short protein forms H402Y, H319Y.
Identifiers: ClinVar variation 935775 (VCV000935775.4), dbSNP rs1725674631, ClinGen allele CA357508577.

ClinVar aggregate classification (germline): Uncertain significance (1 of 4 stars; one submission).

Allele frequency attached by ClinVar (database versions not stated): gnomAD exomes below 0.00001.
gnomAD v4.1: 3 of 1,613,760 alleles (0.00019%); highest among the groups gnomAD compares: Non-Finnish European, 0.00025%; no homozygotes.

Submission:

Labcorp Genetics (formerly Invitae), Labcorp
Classification: Uncertain significance. Last evaluated: 2021-08-31. Review status: criteria provided, single submitter. Criteria: Invitae Variant Classification Sherloc (09022015). Collection method: clinical testing. Allele origin: germline.
Comment: This sequence change replaces histidine with tyrosine at codon 402 of the MTTP protein (p.His402Tyr). The histidine residue is highly conserved and there is a moderate physicochemical difference between histidine and tyrosine. This variant is not present in population databases (ExAC no frequency). This variant has not been reported in the literature in individuals affected with MTTP-related conditions. Algorithms developed to predict the effect of missense changes on protein structure and function are either unavailable or do not agree on the potential impact of this missense change (SIFT: "Deleterious"; PolyPhen-2: "Possibly Damaging"; Align-GVGD: "Class C0"). In summary, the available evidence is currently insufficient to determine the role of this variant in disease. Therefore, it has been classified as a Variant of Uncertain Significance.